The following is an entry in ClinVar:

NM_004247.4(EFTUD2):c.1607+1G>T

Gene: EFTUD2 (elongation factor Tu GTP binding domain containing 2; minus strand). Cytogenetic location: 17q21.31.
Variant type: single nucleotide variant.
Coding change: c.1607+1G>T on transcript NM_004247.4 (MANE Select); the canonical splice donor site of the intron after coding-DNA position 1607, G replaced by T.
Molecular consequence: splice donor variant.
Genome position (GRCh38, 1-based): chr17:44,862,712, C>A on the plus strand (G>T on the coding strand, the complement: EFTUD2 is on the minus strand). VCF-style: chr17-44862712-C-A. GRCh37 (hg19) VCF-style: chr17-42940080-C-A.
Other names: c.1502+1G>T (NM_001142605.2); c.1577+1G>T (NM_001258354.2); c.1607+1G>T (NM_001258353.2).
Identifiers: ClinVar variation 1067171 (VCV001067171.8), dbSNP rs2145469974, ClinGen allele CA399813308.
Genomic context (GRCh38, chr17:44,862,712, plus strand): 5'-CCTTGGGGGCAGCCCCTGGATAGACACCAAGGCATACTCCTGGGGCTCTGGTTGGCAGTA[C>A]CTGGCCACAGAGATCCAAAGGCGGCCCACGGTGCATATCTGGGAGTCTTCCTCATCCTCC-3'

ClinVar aggregate classification (germline): Likely pathogenic. Review status: criteria provided, multiple submitters, no conflicts (2 of 4 stars). 2 submissions from 2 submitters: Likely pathogenic (2). Last evaluated 2018-06-13.

Conditions:
Mandibulofacial dysostosis-microcephaly syndrome (MFDGA). Also called: Mandibulofacial dysostosis, Guion-Almeida type; Growth and mental retardation, mandibulofacial dysostosis, microcephaly, and cleft palate. Identifiers: Orphanet 79113, MedGen C1864652, MONDO:0012516, OMIM 610536.

Submissions (2):

Labcorp Genetics (formerly Invitae), Labcorp
Classification: Likely pathogenic. Last evaluated: 2018-06-13. Review status: criteria provided, single submitter. Criteria: Invitae Variant Classification Sherloc (09022015). Collection method: clinical testing. Allele origin: germline.
Comment: In summary, the currently available evidence indicates that the variant is pathogenic, but additional data are needed to prove that conclusively. Therefore, this variant has been classified as Likely Pathogenic. Donor and acceptor splice site variants typically lead to a loss of protein function (PMID: 16199547), and loss-of-function variants in EFTUD2 are known to be pathogenic (PMID: 24999515, 26507355). This variant has not been reported in the literature in individuals with EFTUD2-related disease. This variant is not present in population databases (ExAC no frequency). This sequence change affects a donor splice site in intron 16 of the EFTUD2 gene. It is expected to disrupt RNA splicing and likely results in an absent or disrupted protein product.

Juno Genomics, Hangzhou Juno Genomics, Inc
Classification: Likely pathogenic for Mandibulofacial dysostosis-microcephaly syndrome. Review status: criteria provided, single submitter. Criteria: ACMG Guidelines, 2015. Collection method: clinical testing. Allele origin: germline. Affected: yes.
Comment: Absent from controls (or at extremely low frequency if recessive) in Genome Aggregation Database, Exome Sequencing Project, 1000 Genomes Project, or Exome Aggregation Consortium.;Null variant in a gene where loss of function (LOF) is a known mechanism of disease.

Literature cited by the submitters: PubMed 16199547 (cited by Labcorp Genetics (formerly Invitae), Labcorp); PubMed 24999515 (cited by Labcorp Genetics (formerly Invitae), Labcorp); PubMed 26507355 (cited by Labcorp Genetics (formerly Invitae), Labcorp).